The following is an entry in ClinVar:

NM_001283009.2(RTEL1):c.395+4G>T

Genes: RTEL1 (regulator of telomere elongation helicase 1; plus strand), RTEL1-TNFRSF6B (RTEL1-TNFRSF6B readthrough (NMD candidate); plus strand). Cytogenetic location: 20q13.33.
Variant type: single nucleotide variant.
Coding change: c.395+4G>T on transcript NM_001283009.2 (MANE Select); 4 bases into the intron after coding-DNA position 395, G replaced by T.
Molecular consequence: intron variant.
Genome position (GRCh38, 1-based): chr20:63,661,947, G>T. VCF-style: chr20-63661947-G-T. GRCh37 (hg19) VCF-style: chr20-62293300-G-T.
Other names: c.-275+4G>T (NM_001283010.1); c.395+4G>T (NM_032957.5, NM_016434.4).
Identifiers: ClinVar variation 1415372 (VCV001415372.6), dbSNP rs2146151011, ClinGen allele CA2573157197.

ClinVar aggregate classification (germline): Uncertain significance (1 of 4 stars; one submission).

Conditions:
Dyskeratosis congenita, autosomal recessive 5 (DKCB5). Identifiers: MedGen C3554656, MONDO:0014076, OMIM 615190.
Pulmonary fibrosis and/or bone marrow failure, Telomere-related, 3. Also called: PULMONARY FIBROSIS AND/OR BONE MARROW FAILURE SYNDROME, TELOMERE-RELATED, 3. Identifiers: Orphanet 2032, MedGen C4225346, MONDO:0014613, OMIM 616373.

Submission:

Labcorp Genetics (formerly Invitae), Labcorp
Classification: Uncertain significance for Dyskeratosis congenita, autosomal recessive 5; Pulmonary fibrosis and/or bone marrow failure, Telomere-related, 3. Last evaluated: 2021-11-15. Review status: criteria provided, single submitter. Criteria: Invitae Variant Classification Sherloc (09022015). Collection method: clinical testing. Allele origin: germline.
Comment: In summary, the available evidence is currently insufficient to determine the role of this variant in disease. Therefore, it has been classified as a Variant of Uncertain Significance. Variants that disrupt the consensus splice site are a relatively common cause of aberrant splicing (PMID: 17576681, 9536098). Algorithms developed to predict the effect of sequence changes on RNA splicing suggest that this variant may disrupt the consensus splice site. This variant has not been reported in the literature in individuals affected with RTEL1-related conditions. This variant is not present in population databases (gnomAD no frequency). This sequence change falls in intron 4 of the RTEL1 gene. It does not directly change the encoded amino acid sequence of the RTEL1 protein. It affects a nucleotide within the consensus splice site.

Literature cited by the submitters: PubMed 17576681; PubMed 9536098.